The following is an entry in ClinVar:

ClinVar aggregate classification (germline): Pathogenic (1 of 4 stars; one submission).

Conditions:
Early-infantile DEE. Also called: Early infantile epileptic encephalopathy with suppression bursts; Early infantile epileptic encephalopathy; Ohtahara syndrome. Identifiers: Orphanet 1934, MedGen C0393706, MONDO:0800491.

Submission:

Labcorp Genetics (formerly Invitae), Labcorp
Classification: Pathogenic for Early-infantile DEE. Last evaluated: 2020-01-04. Review status: criteria provided, single submitter. Criteria: Invitae Variant Classification Sherloc (09022015). Collection method: clinical testing. Allele origin: germline.
Comment: This variant has been observed in individual(s) with Dravet syndrome (PMID: 30185235). In at least one individual the variant was observed to be de novo. ClinVar contains an entry for this variant (Variation ID: 649785). This variant is not present in population databases (ExAC no frequency). This sequence change replaces leucine with proline at codon 1230 of the SCN1A protein (p.Leu1230Pro). The leucine residue is highly conserved and there is a moderate physicochemical difference between leucine and proline. For these reasons, this variant has been classified as Pathogenic. This variant disrupts the p.Leu1230 amino acid residue in SCN1A. Other variant(s) that disrupt this residue have been determined to be pathogenic (Invitae). This suggests that this residue is clinically significant, and that variants that disrupt this residue are likely to be disease-causing. Advanced modeling of protein sequence and biophysical properties (such as structural, functional, and spatial information, amino acid conservation, physicochemical variation, residue mobility, and thermodynamic stability) performed at Invitae indicates that this missense variant is expected to disrupt SCN1A protein function.

Literature cited by the submitters: PubMed 30185235.

NM_001165963.4(SCN1A):c.3689T>C (p.Leu1230Pro)

Genes: SCN1A (sodium voltage-gated channel alpha subunit 1; minus strand), LOC102724058 (uncharacterized LOC102724058; plus strand). Cytogenetic location: 2q24.3.
Variant type: single nucleotide variant.
Coding change: c.3689T>C on transcript NM_001165963.4 (MANE Select); coding-DNA position 3689, T replaced by C.
Protein change: p.Leu1230Pro; replaces leucine 1230 with proline.
Molecular consequence: missense variant. On other transcripts: non-coding transcript variant (1).
Genome position (GRCh38, 1-based): chr2:166,013,760, A>G on the plus strand (T>C on the coding strand, the complement: SCN1A is on the minus strand). VCF-style: chr2-166013760-A-G. GRCh37 (hg19) VCF-style: chr2-166870270-A-G.
Other names: c.3605T>C, p.Leu1202Pro (NM_001165964.3, NM_001353957.2, NM_001353958.2); c.3689T>C, p.Leu1230Pro (NM_001202435.3, NM_001353948.2); c.3656T>C, p.Leu1219Pro (NM_001353949.2, NM_001353950.2, NM_001353951.2 and 2 more transcripts); c.3653T>C, p.Leu1218Pro (NM_001353954.2, NM_001353955.2); c.3602T>C, p.Leu1201Pro (NM_001353960.2); c.1247T>C, p.Leu416Pro (NM_001353961.2); short protein forms L1219P, L1201P, L1218P, L1202P, L1230P, L416P.
Identifiers: ClinVar variation 649785 (VCV000649785.9), dbSNP rs1574060250, ClinGen allele CA349055697.